The following is an entry in ClinVar:

GRCh38/hg38 2q36.3(chr2:229805826-229995614)x1

Genes: FBXO36 (F-box protein 36; plus strand), TRIP12 (thyroid hormone receptor interactor 12; minus strand), LOC129389004 (MPRA-validated peak4073 silencer; plus strand), LOC129389005 (MPRA-validated peak4074 silencer; plus strand), LOC129935742 (ATAC-STARR-seq lymphoblastoid active region 17205; plus strand) and 1 more. Cytogenetic location: 2q36.3.
Variant type: copy number loss.
Change: copy number 1 (one copy instead of two) of chr2:229,805,826-229,995,614 (189.8 kb, GRCh38 coordinates, 1-based), cytogenetic band 2q36.3.
Identifiers: ClinVar variation 4886813 (VCV004886813.1).

ClinVar aggregate classification (germline): Pathogenic (0 of 4 stars; one submission).

Submission:

Diagnostics Centre, Carl Von Ossietzky University Oldenburg
Classification: Pathogenic. Last evaluated: 2026-01-21. Review status: no assertion criteria provided. Collection method: clinical testing. Allele origin: germline. Affected: yes. Observed: 1 variant allele.
Comment: The identified variant is a heterozygous deletion at 2q36.3 involving the TRIP12 and FBXO36 genes. Haploinsufficiency of TRIP12 causes developmental delay, autism spectrum disorder, and characteristic facial features. Multi-exon deletions involving TRIP12, as well as larger deletions affecting both FBXO36 and TRIP12, have been described in the literature and public databases as (likely) pathogenic (PMID: 36747006, 24768552, and 26777411; ClinVar IDs: 688541, 1340890, and 816580). Pathogenic heterozygous variants in TRIP12 are associated with Clark-Baraitser syndrome, a neurodevelopmental disorder characterized by intellectual disability, speech and language impairment, and learning difficulties. Intellectual disability is generally described as mild to moderate. Behavioral abnormalities, including autistic features, aggressive and impulsive behavior, and hyperactivity, have also been reported. Characteristic dysmorphic features include a high forehead, a long philtrum, large ears with prominent earlobes, upslanting palpebral fissures, hypertelorism, epicanthal folds, and a short nose with a broad nasal tip. Additional reported features include macrocephaly, strabismus, muscular hypotonia, macroorchidism, and clinodactyly. A small number of affected individuals have also been reported to develop epilepsy and obesity. Nonspecific brain MRI abnormalities have likewise been described in some individuals. In summary, this variant is classified as Pathogenic.

Literature cited by the submitters: PubMed 36747006; PubMed 24768552; PubMed 26777411.